The following is an entry in ClinVar:

ClinVar aggregate classification (germline): Pathogenic/Likely pathogenic. Review status: criteria provided, multiple submitters, no conflicts (2 of 4 stars). 3 submissions from 3 submitters: Pathogenic (1); Likely pathogenic (1). 1 of the submissions does not count toward it. Last evaluated 2025-11-29.

Conditions:
Cardio-facio-cutaneous syndrome. Also called: Cardiofaciocutaneous syndrome; CFC syndrome. Identifiers: Orphanet 1340, MedGen C1275081, MONDO:0015280. Disease mechanism: gain of function.

Submissions (3):

GeneDx
Classification: Pathogenic. Last evaluated: 2025-11-29. Review status: criteria provided, single submitter. Criteria: GeneDx Variant Classification Process June 2021. Collection method: clinical testing. Allele origin: germline. Affected: yes.
Comment: Not observed at significant frequency in large population cohorts (gnomAD); In silico analysis supports that this missense variant has a deleterious effect on protein structure/function; Missense variants in this gene are a common cause of disease and they are underrepresented in the general population; This variant is associated with the following publications: (PMID: 37697822, 19206169, 35266334, 23093928, 24803665, 34643321, 34573299, 37774117, 29493581, 37510243, 18042262)

Molecular Diagnostics Lab, Nemours Children's Health, Delaware
Classification: Likely pathogenic. Last evaluated: 2015-07-23. Review status: criteria provided, single submitter. Criteria: ACMG Guidelines, 2015. Collection method: clinical testing. Allele origin: unknown. Affected: yes. Observed: 1 variant allele.

Medical Genetic Institute of Henan Province, Henan Provincial People’s Hospital
Classification: Pathogenic for Cardiofaciocutaneous syndrome. Review status: no assertion criteria provided. Collection method: case-control. Allele origin: de novo. Not counted in ClinVar's aggregate classification.

Literature cited by the submitters: PubMed 19206169 (cited by Molecular Diagnostics Lab, Nemours Children's Health, Delaware); PubMed 18042262 (cited by Molecular Diagnostics Lab, Nemours Children's Health, Delaware); PubMed 16474404 (cited by Molecular Diagnostics Lab, Nemours Children's Health, Delaware).

NM_004333.6(BRAF):c.1497A>C (p.Lys499Asn)

Gene: BRAF (B-Raf proto-oncogene, serine/threonine kinase; minus strand). Cytogenetic location: 7q34.
Variant type: single nucleotide variant.
Coding change: c.1497A>C on transcript NM_004333.6 (MANE Select); coding-DNA position 1497, A replaced by C.
Protein change: p.Lys499Asn; replaces lysine 499 with asparagine.
Molecular consequence: missense variant.
Genome position (GRCh38, 1-based): chr7:140,778,011, T>G on the plus strand (A>C on the coding strand, the complement: BRAF is on the minus strand). VCF-style: chr7-140778011-T-G. GRCh37 (hg19) VCF-style: chr7-140477811-T-G.
Other names: p.K499N:AAA>AAC; c.1497A>C, p.Lys499Asn (NM_001354609.2, NM_001378468.1, NM_001378474.1); c.1617A>C, p.Lys539Asn (NM_001374244.1, NM_001374258.1); c.1506A>C, p.Lys502Asn (NM_001378467.1); c.1431A>C, p.Lys477Asn (NM_001378469.1); c.1395A>C, p.Lys465Asn (NM_001378470.1); c.1386A>C, p.Lys462Asn (NM_001378471.1); c.1341A>C, p.Lys447Asn (NM_001378472.1, NM_001378473.1); and 1 more; short protein forms K499N, K411N, K447N, K462N, K465N, K477N, K502N, K539N.
Identifiers: ClinVar variation 40371 (VCV000040371.9), dbSNP rs397507476, ClinGen allele CA281974.
Genomic context (GRCh38, chr7:140,778,011, plus strand): 5'-AACTTCTTTCTCTGGAAAAGAGTAATTCACACAAGCTCACCTGAGTACTCCTACTTCATT[T>G]TTGAAGGCTTGTAACTGCTGAGGTGTAGGTGCTGTCACATTCAACATTTTCACTGCCACA-3'
Protein context (NP_004324.2, residues 489-509): APTPQQLQAF[Lys499Asn]NEVGVLRKTR